The following is an entry in ClinVar:

ClinVar aggregate classification (germline): Pathogenic (1 of 4 stars; one submission).

Conditions:
Combined oxidative phosphorylation defect type 14. Also called: Combined oxidative phosphorylation deficiency 14. Identifiers: Orphanet 319519, MedGen C4755312, MONDO:0013986, OMIM 614946.

Submission:

Labcorp Genetics (formerly Invitae), Labcorp
Classification: Pathogenic for Combined oxidative phosphorylation defect type 14. Last evaluated: 2023-07-14. Review status: criteria provided, single submitter. Criteria: Invitae Variant Classification Sherloc (09022015). Collection method: clinical testing. Allele origin: germline.
Comment: This variant has not been reported in the literature in individuals affected with FARS2-related conditions. This variant is not present in population databases (gnomAD no frequency). This sequence change affects the initiator methionine of the FARS2 mRNA. The next in-frame methionine is located at codon 151. ClinVar contains an entry for this variant (Variation ID: 1067279). For these reasons, this variant has been classified as Pathogenic. This variant disrupts a region of the FARS2 protein in which other variant(s) (p.Tyr144Cys) have been determined to be pathogenic (PMID: 22499341, 22833457, 30177229). This suggests that this is a clinically significant region of the protein, and that variants that disrupt it are likely to be disease-causing.

Literature cited by the submitters: PubMed 22499341; PubMed 22833457; PubMed 30177229.

NM_006567.5(FARS2):c.3G>T (p.Met1Ile)

Genes: FARS2 (phenylalanyl-tRNA synthetase 2, mitochondrial; plus strand), LOC126859565 (CDK7 strongly-dependent group 2 enhancer GRCh37_chr6:5368745-5369944; plus strand). Cytogenetic location: 6p25.1.
Variant type: single nucleotide variant.
Coding change: c.3G>T on transcript NM_006567.5 (MANE Select); coding-DNA position 3, G replaced by T.
Protein change: p.Met1Ile; changes the start codon (methionine 1).
Molecular consequence: missense variant, initiator codon variant. On other transcripts: intron variant (2).
Genome position (GRCh38, 1-based): chr6:5,368,573, G>T. VCF-style: chr6-5368573-G-T. GRCh37 (hg19) VCF-style: chr6-5368806-G-T.
Other names: c.3G>T, p.Met1Ile (NM_001318872.2, NM_001374875.1, NM_001374876.1 and 5 more transcripts); c.-340-28060G>T (NM_001375260.1); c.-84-35969G>T (NM_001375259.1); short protein forms M1I.
Identifiers: ClinVar variation 1067279 (VCV001067279.10), dbSNP rs2127642660, ClinGen allele CA362734348.